The following is an entry in ClinVar:

ClinVar aggregate classification (germline): Uncertain significance (1 of 4 stars; one submission).

Conditions:
Hereditary cancer-predisposing syndrome. Also called: Tumor predisposition; Neoplastic Syndromes, Hereditary; Hereditary Cancer Syndrome; Hereditary neoplastic syndrome. Identifiers: Orphanet 140162, MedGen C0027672, MeSH D009386, MONDO:0015356.

Submission:

Ambry Genetics
Classification: Uncertain significance for Hereditary cancer-predisposing syndrome. Last evaluated: 2026-02-13. Review status: criteria provided, single submitter. Criteria: Ambry Variant Classification Scheme 2023. Collection method: clinical testing. Allele origin: germline.
Comment: The p.L2309V variant (also known as c.6925C>G), located in coding exon 46 of the ATM gene, results from a C to G substitution at nucleotide position 6925. The leucine at codon 2309 is replaced by valine, an amino acid with highly similar properties. This nucleotide position is well conserved in available vertebrate species. In silico splice site analysis predicts that this alteration will weaken the native splice donor site and will result in the creation or strengthening of a novel splice donor site. This amino acid position is highly conserved in available vertebrate species. In addition, the in silico prediction for this alteration is inconclusive. Since supporting evidence is limited at this time, the clinical significance of this alteration remains unclear.

NM_000051.4(ATM):c.6925C>G (p.Leu2309Val)

Genes: ATM (ATM serine/threonine kinase; plus strand), C11orf65 (chromosome 11 open reading frame 65; minus strand). Cytogenetic location: 11q22.3.
Variant type: single nucleotide variant.
Coding change: c.6925C>G on transcript NM_000051.4 (MANE Select); coding-DNA position 6925, C replaced by G.
Protein change: p.Leu2309Val; replaces leucine 2309 with valine.
Molecular consequence: missense variant. On other transcripts: intron variant (2).
Genome position (GRCh38, 1-based): chr11:108,326,175, C>G. VCF-style: chr11-108326175-C-G. GRCh37 (hg19) VCF-style: chr11-108196902-C-G.
Other names: c.6925C>G, p.Leu2309Val (NM_001351834.2); c.641-17104G>C (NM_001330368.2); c.*38+9045G>C (NM_001351110.2); short protein forms L2309V.
Identifiers: ClinVar variation 826709 (VCV000826709.7), dbSNP rs763839047, ClinGen allele CA382557135.